The following is an entry in ClinVar:

ClinVar aggregate classification (germline): Uncertain significance. Review status: criteria provided, multiple submitters, no conflicts (2 of 4 stars). 3 submissions from 3 submitters: Uncertain significance (3). Last evaluated 2022-07-14.

Conditions:
Methylcobalamin deficiency type cblG (HMAG). Also called: HOMOCYSTINURIA-MEGALOBLASTIC ANEMIA, cblG TYPE; Functional methionine synthase deficiency type cblG; HOMOCYSTINURIA-MEGALOBLASTIC ANEMIA, cblG COMPLEMENTATION TYPE; HOMOCYSTINURIA-MEGALOBLASTIC ANEMIA DUE TO DEFECT IN COBALAMIN METABOLISM, cblG COMPLEMENTATION TYPE. Identifiers: Orphanet 2170, Orphanet 622, MedGen C1855128, MONDO:0009609, OMIM 250940.

Allele frequency attached by ClinVar (database versions not stated): gnomAD 0.00001; gnomAD exomes 0.00001; ExAC 0.00002.
gnomAD v4.1: 7 of 1,614,100 alleles (0.00043%); highest among the groups gnomAD compares: Admixed American, 0.005%; no homozygotes.

Submissions (3):

Labcorp Genetics (formerly Invitae), Labcorp
Classification: Uncertain significance for Methylcobalamin deficiency type cblG. Last evaluated: 2022-07-14. Review status: criteria provided, single submitter. Criteria: Invitae Variant Classification Sherloc (09022015). Collection method: clinical testing. Allele origin: germline.
Comment: This sequence change replaces tyrosine, which is neutral and polar, with cysteine, which is neutral and slightly polar, at codon 972 of the MTR protein (p.Tyr972Cys). This variant is present in population databases (rs773190246, gnomAD 0.006%). This variant has not been reported in the literature in individuals affected with MTR-related conditions. ClinVar contains an entry for this variant (Variation ID: 994103). Algorithms developed to predict the effect of missense changes on protein structure and function are either unavailable or do not agree on the potential impact of this missense change (SIFT: "Deleterious"; PolyPhen-2: "Probably Damaging"; Align-GVGD: "Class C0"). In summary, the available evidence is currently insufficient to determine the role of this variant in disease. Therefore, it has been classified as a Variant of Uncertain Significance.

ARUP Laboratories, Molecular Genetics and Genomics, ARUP Laboratories
Classification: Uncertain significance. Last evaluated: 2020-04-07. Review status: criteria provided, single submitter. Criteria: ARUP Molecular Germline Variant Investigation Process. Collection method: clinical testing. Allele origin: germline.
Comment: The MTR c.2915A>G; p.Tyr972Cys variant (rs773190246), to our knowledge, is not reported in the medical literature or gene specific databases. This variant is found in the general population with an overall allele frequency of 0.001% (3/282,898 alleles) in the Genome Aggregation Database. The tyrosine at codon 972 is highly conserved, and computational analyses (SIFT, PolyPhen-2) predict that this variant is deleterious. Due to limited information, the clinical significance of the p.Tyr972Cys variant is uncertain at this time. Gene statement: Pathogenic germline variants in MTR are inherited in an autosomal recessive manner and are associated with homocystinuria-megaloblastic anemia, cblG complementation type (MIM: 250940).

Breakthrough Genomics
Classification: Uncertain significance. Review status: criteria provided, single submitter. Criteria: ACMG Guidelines, 2015. Collection method: not provided. Allele origin: germline. Inheritance: Autosomal recessive inheritance. Affected: yes.

NM_000254.3(MTR):c.2915A>G (p.Tyr972Cys)

Gene: MTR (5-methyltetrahydrofolate-homocysteine methyltransferase; plus strand). Cytogenetic location: 1q43.
Variant type: single nucleotide variant.
Coding change: c.2915A>G on transcript NM_000254.3 (MANE Select); coding-DNA position 2915, A replaced by G.
Protein change: p.Tyr972Cys; replaces tyrosine 972 with cysteine.
Molecular consequence: missense variant.
Genome position (GRCh38, 1-based): chr1:236,889,244, A>G. VCF-style: chr1-236889244-A-G. GRCh37 (hg19) VCF-style: chr1-237052544-A-G.
Other names: c.2762A>G, p.Tyr921Cys (NM_001291939.1); c.1694A>G, p.Tyr565Cys (NM_001291940.2); short protein forms Y565C, Y921C, Y972C.
Identifiers: ClinVar variation 994103 (VCV000994103.48), dbSNP rs773190246, ClinGen allele CA1474561.
Genomic context (GRCh38, chr1:236,889,244, plus strand): 5'-AGCCCACGTTTATTGGGACCCAGGTCTTTGAAGACTATGACCTGCAGAAGCTGGTGGACT[A>G]CATTGACTGGAAGCCTTTCTTTGATGTCTGGCAGCTCCGGGGCAAGTACCCGAATCGAGG-3'
Protein context (NP_000245.2, residues 962-982): EDYDLQKLVD[Tyr972Cys]IDWKPFFDVW